The following is an entry in ClinVar:

NM_001142800.2(EYS):c.3062A>G (p.Asp1021Gly)

Gene: EYS (EGF-like photoreceptor maintenance factor; minus strand). Cytogenetic location: 6q12.
Variant type: single nucleotide variant.
Coding change: c.3062A>G on transcript NM_001142800.2 (MANE Select); coding-DNA position 3062, A replaced by G.
Protein change: p.Asp1021Gly; replaces aspartic acid 1021 with glycine.
Molecular consequence: missense variant.
Genome position (GRCh38, 1-based): chr6:64,822,753, T>C on the plus strand (A>G on the coding strand, the complement: EYS is on the minus strand). VCF-style: chr6-64822753-T-C. GRCh37 (hg19) VCF-style: chr6-65532646-T-C.
Other names: c.3062A>G, p.Asp1021Gly (NM_001292009.2); short protein forms D1021G.
Identifiers: ClinVar variation 1951672 (VCV001951672.5), dbSNP rs1410495725, ClinGen allele CA364787832.

ClinVar aggregate classification (germline): Uncertain significance (1 of 4 stars; one submission).

gnomAD v4.1: 1 of 1,550,194 alleles (0.000065%); highest among the groups gnomAD compares: Non-Finnish European, 0.000087%; no homozygotes.

Submission:

Labcorp Genetics (formerly Invitae), Labcorp
Classification: Uncertain significance. Last evaluated: 2022-03-09. Review status: criteria provided, single submitter. Criteria: Invitae Variant Classification Sherloc (09022015). Collection method: clinical testing. Allele origin: germline.
Comment: In summary, the available evidence is currently insufficient to determine the role of this variant in disease. Therefore, it has been classified as a Variant of Uncertain Significance. Algorithms developed to predict the effect of missense changes on protein structure and function output the following: SIFT: "Deleterious"; PolyPhen-2: "Probably Damaging"; Align-GVGD: "Class C65". The glycine amino acid residue is found in multiple mammalian species, which suggests that this missense change does not adversely affect protein function. This variant has not been reported in the literature in individuals affected with EYS-related conditions. This variant is not present in population databases (gnomAD no frequency). This sequence change replaces aspartic acid, which is acidic and polar, with glycine, which is neutral and non-polar, at codon 1021 of the EYS protein (p.Asp1021Gly).